The following is an entry in ClinVar:

NM_006030.4(CACNA2D2):c.2969C>T (p.Ala990Val)

Genes: CACNA2D2 (calcium voltage-gated channel auxiliary subunit alpha2delta 2; minus strand), LOC101928965 (uncharacterized LOC101928965; plus strand), LOC127898564 (CYB561D2-LOC101928965; plus strand). Cytogenetic location: 3p21.31.
Variant type: single nucleotide variant.
Coding change: c.2969C>T on transcript NM_006030.4 (MANE Select); coding-DNA position 2969, C replaced by T.
Protein change: p.Ala990Val; replaces alanine 990 with valine.
Molecular consequence: missense variant. On other transcripts: non-coding transcript variant (2).
Genome position (GRCh38, 1-based): chr3:50,365,635, G>A on the plus strand (C>T on the coding strand, the complement: CACNA2D2 is on the minus strand). VCF-style: chr3-50365635-G-A. GRCh37 (hg19) VCF-style: chr3-50403066-G-A.
Other names: c.2969C>T, p.Ala990Val (NM_001005505.3); c.2990C>T, p.Ala997Val (NM_001174051.3); c.2762C>T, p.Ala921Val (NM_001291101.1); short protein forms A990V, A997V, A921V.
Identifiers: ClinVar variation 580134 (VCV000580134.7), dbSNP rs772555143, ClinGen allele CA2418295.

ClinVar aggregate classification (germline): Uncertain significance (1 of 4 stars; one submission).

Conditions:
Developmental and epileptic encephalopathy. Identifiers: MedGen C5779964, MONDO:0100620.

Allele frequency attached by ClinVar (database versions not stated): gnomAD exomes below 0.00001 and 0.00001; TOPMed 0.00002; ExAC 0.00003; gnomAD 0.00005.
gnomAD v4.1: 8 of 1,577,748 alleles (0.00051%); highest among the groups gnomAD compares: African/African-American, 0.011%; no homozygotes.

Submission:

Labcorp Genetics (formerly Invitae), Labcorp
Classification: Uncertain significance for Early-infantile DEE. Last evaluated: 2021-10-06. Review status: criteria provided, single submitter. Criteria: Invitae Variant Classification Sherloc (09022015). Collection method: clinical testing. Allele origin: germline.
Comment: In summary, the available evidence is currently insufficient to determine the role of this variant in disease. Therefore, it has been classified as a Variant of Uncertain Significance. Algorithms developed to predict the effect of sequence changes on RNA splicing suggest that this variant may create or strengthen a splice site. Algorithms developed to predict the effect of missense changes on protein structure and function (SIFT, PolyPhen-2, Align-GVGD) all suggest that this variant is likely to be tolerated. This variant has not been reported in the literature in individuals affected with CACNA2D2-related conditions. This variant is present in population databases (rs772555143, ExAC 0.02%). This sequence change replaces alanine with valine at codon 990 of the CACNA2D2 protein (p.Ala990Val). The alanine residue is moderately conserved and there is a small physicochemical difference between alanine and valine.